The following is an entry in ClinVar:

NM_001036.6(RYR3):c.11535T>A (p.His3845Gln)

Gene: RYR3 (ryanodine receptor 3; plus strand). Cytogenetic location: 15q14.
Variant type: single nucleotide variant.
Coding change: c.11535T>A on transcript NM_001036.6 (MANE Select); coding-DNA position 11535, T replaced by A.
Protein change: p.His3845Gln; replaces histidine 3845 with glutamine.
Molecular consequence: missense variant.
Genome position (GRCh38, 1-based): chr15:33,835,039, T>A. VCF-style: chr15-33835039-T-A. GRCh37 (hg19) VCF-style: chr15-34127240-T-A.
Other names: c.11520T>A, p.His3840Gln (NM_001243996.4); short protein forms H3840Q, H3845Q.
Identifiers: ClinVar variation 3157354 (VCV003157354.2), dbSNP rs376176805, ClinGen allele CA7461249.
Genomic context (GRCh38, chr15:33,835,039, plus strand): 5'-TGGTAATCAACAGAGCCTGGCTCACAGCAGGCTGTGGGACGCAGTGGTTGGCTTCCTCCA[T>A]GTCTTTGCTAATATGCAGATGAAACTCTCTCAGGTACTGTGGCCCATTCCCTGCACGTGT-3'
Protein context (NP_001027.3, residues 3835-3855): RLWDAVVGFL[His3845Gln]VFANMQMKLS

ClinVar aggregate classification (germline): Uncertain significance. Review status: criteria provided, multiple submitters, no conflicts (2 of 4 stars). 2 submissions from 2 submitters: Uncertain significance (2). Last evaluated 2024-05-07.

Allele frequency attached by ClinVar (database versions not stated): ExAC 0.00002; gnomAD 0.00002; TOPMed 0.00003; ESP Exome Variant Server 0.00008; gnomAD exomes 0.00010.
gnomAD v4.1: 145 of 1,613,812 alleles (0.009%); highest among the groups gnomAD compares: Non-Finnish European, 0.012%; 1 homozygote.

Submissions (2):

Women's Health and Genetics/Laboratory Corporation of America, LabCorp
Classification: Uncertain significance. Last evaluated: 2024-05-07. Review status: criteria provided, single submitter. Criteria: LabCorp Variant Classification Summary - May 2015. Collection method: clinical testing. Allele origin: germline.
Comment: Variant summary: RYR3 c.11535T>A (p.His3845Gln) results in a non-conservative amino acid change in the encoded protein sequence. Four of five in-silico tools predict a damaging effect of the variant on protein function. The variant allele was found at a frequency of 1.6e-05 in 249162 control chromosomes. The available data on variant occurrences in the general population are insufficient to allow any conclusion about variant significance. To our knowledge, no occurrence of c.11535T>A in individuals affected with Congenital Myopathy 20 and no experimental evidence demonstrating its impact on protein function have been reported. ClinVar contains an entry for this variant (Variation ID: 3157354). Based on the evidence outlined above, the variant was classified as uncertain significance.

Ambry Genetics
Classification: Uncertain significance. Last evaluated: 2024-02-22. Review status: criteria provided, single submitter. Criteria: Ambry Variant Classification Scheme 2023. Collection method: clinical testing. Allele origin: germline.